The following is an entry in ClinVar:

ClinVar aggregate classification (germline): Uncertain significance (1 of 4 stars; one submission).

Submission:

Labcorp Genetics (formerly Invitae), Labcorp
Classification: Uncertain significance. Last evaluated: 2022-09-19. Review status: criteria provided, single submitter. Criteria: Invitae Variant Classification Sherloc (09022015). Collection method: clinical testing. Allele origin: germline.
Comment: In summary, the available evidence is currently insufficient to determine the role of this variant in disease. Therefore, it has been classified as a Variant of Uncertain Significance. Advanced modeling of protein sequence and biophysical properties (such as structural, functional, and spatial information, amino acid conservation, physicochemical variation, residue mobility, and thermodynamic stability) performed at Invitae indicates that this missense variant is not expected to disrupt CD55 protein function. ClinVar contains an entry for this variant (Variation ID: 1469568). This variant has not been reported in the literature in individuals affected with CD55-related conditions. This variant is not present in population databases (gnomAD no frequency). This sequence change replaces threonine, which is neutral and polar, with lysine, which is basic and polar, at codon 336 of the CD55 protein (p.Thr336Lys).

NM_000574.5(CD55):c.1007C>A (p.Thr336Lys)

Gene: CD55 (CD55 molecule (Cromer blood group); plus strand). Cytogenetic location: 1q32.2.
Variant type: single nucleotide variant.
Coding change: c.1007C>A on transcript NM_000574.5 (MANE Select); coding-DNA position 1007, C replaced by A.
Protein change: p.Thr336Lys; replaces threonine 336 with lysine.
Molecular consequence: missense variant. On other transcripts: non-coding transcript variant (1).
Genome position (GRCh38, 1-based): chr1:207,337,356, C>A. VCF-style: chr1-207337356-C-A. GRCh37 (hg19) VCF-style: chr1-207510701-C-A.
Other names: c.1007C>A, p.Thr336Lys (NM_001114752.3, NM_001300902.2, NM_001300903.2 and 1 more transcripts); short protein forms T336K.
Identifiers: ClinVar variation 1469568 (VCV001469568.8), dbSNP rs764763440, ClinGen allele CA344522235.
Genomic context (GRCh38, chr1:207,337,356, plus strand): 5'-GTACACAAAGATTCCCTTCTGCTCATATTACAGCAACACGGAGTACACCTGTTTCCAGGA[C>A]AACCAAGCATTTTCATGAAACAACCCCAAATAAAGGAAGTGGAACCACTTCAGGTCAGTT-3'
Protein context (NP_000565.1, residues 326-346): QATRSTPVSR[Thr336Lys]TKHFHETTPN